The following is an entry in ClinVar:

ClinVar aggregate classification (germline): Conflicting classifications of pathogenicity. Review status: criteria provided, conflicting classifications (1 of 4 stars). 2 submissions from 2 submitters: Uncertain significance (1); Likely benign (1). Last evaluated 2026-07-06.

Conditions:
Gorlin syndrome. Also called: Nevoid Basal Cell Carcinoma Syndrome; Basal cell nevus syndrome. Identifiers: Orphanet 377, MedGen C0004779, MONDO:0007187.
Hereditary cancer-predisposing syndrome. Also called: Neoplastic Syndromes, Hereditary; Tumor predisposition; Hereditary Cancer Syndrome; Hereditary neoplastic syndrome. Identifiers: Orphanet 140162, MedGen C0027672, MeSH D009386, MONDO:0015356.

Allele frequency attached by ClinVar (database versions not stated): gnomAD 0.00001; TOPMed 0.00001.
gnomAD v4.1: 2 of 1,612,300 alleles (0.00012%); highest among the groups gnomAD compares: African/African-American, 0.0013%; no homozygotes.

Submissions (2):

Ambry Genetics
Classification: Uncertain significance for Hereditary cancer-predisposing syndrome. Last evaluated: 2026-07-06. Review status: criteria provided, single submitter. Criteria: Ambry Variant Classification Scheme 2023. Collection method: clinical testing. Allele origin: germline.
Comment: The p.G288V variant (also known as c.863G>T), located in coding exon 6 of the PTCH1 gene, results from a G to T substitution at nucleotide position 863. The glycine at codon 288 is replaced by valine, an amino acid with dissimilar properties. This amino acid position is highly conserved in available vertebrate species. In addition, this alteration is predicted to be deleterious by in silico analysis. Based on the available evidence, the clinical significance of this variant remains unclear.

Labcorp Genetics (formerly Invitae), Labcorp
Classification: Likely benign for Gorlin syndrome. Last evaluated: 2025-12-29. Review status: criteria provided, single submitter. Criteria: Invitae Variant Classification Sherloc (09022015). Collection method: clinical testing. Allele origin: germline.

NM_000264.5(PTCH1):c.863G>T (p.Gly288Val)

Gene: PTCH1 (patched 1; minus strand). Cytogenetic location: 9q22.32.
Variant type: single nucleotide variant.
Coding change: c.863G>T on transcript NM_000264.5 (MANE Select); coding-DNA position 863, G replaced by T.
Protein change: p.Gly288Val; replaces glycine 288 with valine.
Molecular consequence: missense variant. On other transcripts: non-coding transcript variant (1).
Genome position (GRCh38, 1-based): chr9:95,480,472, C>A on the plus strand (G>T on the coding strand, the complement: PTCH1 is on the minus strand). VCF-style: chr9-95480472-C-A. GRCh37 (hg19) VCF-style: chr9-98242754-C-A.
Other names: c.665G>T, p.Gly222Val (NM_001083602.3); c.860G>T, p.Gly287Val (NM_001083603.3); c.410G>T, p.Gly137Val (NM_001083604.3, NM_001083605.3, NM_001083606.3 and 1 more transcripts); c.863G>T, p.Gly288Val (NM_001354918.2); short protein forms G137V, G222V, G287V, G288V.
Identifiers: ClinVar variation 3231062 (VCV003231062.4), dbSNP rs1178742053, ClinGen allele CA374113971.